The following is an entry in ClinVar:

ClinVar aggregate classification (germline): Uncertain significance (1 of 4 stars; one submission).

Conditions:
Hereditary cancer-predisposing syndrome. Also called: Neoplastic Syndromes, Hereditary; Tumor predisposition; Hereditary neoplastic syndrome; Hereditary Cancer Syndrome. Identifiers: Orphanet 140162, MedGen C0027672, MeSH D009386, MONDO:0015356.

gnomAD v4.1: 3 of 1,613,880 alleles (0.00019%); highest among the groups gnomAD compares: East Asian, 0.0022%; no homozygotes.

Submission:

Ambry Genetics
Classification: Uncertain significance for Hereditary cancer-predisposing syndrome. Last evaluated: 2025-09-04. Review status: criteria provided, single submitter. Criteria: Ambry Variant Classification Scheme 2023. Collection method: clinical testing. Allele origin: germline.
Comment: The p.A2564G variant (also known as c.7691C>G), located in coding exon 51 of the ATM gene, results from a C to G substitution at nucleotide position 7691. The alanine at codon 2564 is replaced by glycine, an amino acid with similar properties. This amino acid position is well conserved in available vertebrate species. In addition, the in silico prediction for this alteration is inconclusive. Based on the available evidence, the clinical significance of this variant remains unclear.

NM_000051.4(ATM):c.7691C>G (p.Ala2564Gly)

Genes: ATM (ATM serine/threonine kinase; plus strand), C11orf65 (chromosome 11 open reading frame 65; minus strand). Cytogenetic location: 11q22.3.
Variant type: single nucleotide variant.
Coding change: c.7691C>G on transcript NM_000051.4 (MANE Select); coding-DNA position 7691, C replaced by G.
Protein change: p.Ala2564Gly; replaces alanine 2564 with glycine.
Molecular consequence: missense variant. On other transcripts: intron variant (2).
Genome position (GRCh38, 1-based): chr11:108,331,940, C>G. VCF-style: chr11-108331940-C-G. GRCh37 (hg19) VCF-style: chr11-108202667-C-G.
Other names: c.7691C>G, p.Ala2564Gly (NM_001351834.2); c.641-22869G>C (NM_001330368.2); c.*38+3280G>C (NM_001351110.2); short protein forms A2564G.
Identifiers: ClinVar variation 4170215 (VCV004170215.1).